The following is an entry in ClinVar:

NM_000059.4(BRCA2):c.8642C>G (p.Thr2881Arg)

Gene: BRCA2 (BRCA2 DNA repair associated; plus strand). Cytogenetic location: 13q13.1.
Variant type: single nucleotide variant.
Coding change: c.8642C>G on transcript NM_000059.4 (MANE Select); coding-DNA position 8642, C replaced by G.
Protein change: p.Thr2881Arg; replaces threonine 2881 with arginine.
Molecular consequence: missense variant. On other transcripts: non-coding transcript variant (1).
Genome position (GRCh38, 1-based): chr13:32,376,679, C>G. VCF-style: chr13-32376679-C-G. GRCh37 (hg19) VCF-style: chr13-32950816-C-G.
Other names: c.8546C>G, p.Thr2849Arg (NM_001406719.1); c.8642C>G, p.Thr2881Arg (NM_001406720.1); c.3710C>G, p.Thr1237Arg (NM_001406721.1); c.2225C>G, p.Thr742Arg (NM_001406722.1); short protein forms T1237R, T2849R, T2881R, T742R.
Identifiers: ClinVar variation 2681844 (VCV002681844.1), dbSNP rs2072874203, ClinGen allele CA387754639.

ClinVar aggregate classification (germline): Uncertain significance (1 of 4 stars; one submission).

Submission:

Quest Diagnostics Nichols Institute San Juan Capistrano
Classification: Uncertain significance. Last evaluated: 2023-03-13. Review status: criteria provided, single submitter. Criteria: Quest Diagnostics criteria. Collection method: clinical testing. Allele origin: unknown.
Comment: This variant has not been reported in the published literature. It also has not been reported in large, multi-ethnic general populations. Analysis of this variant using bioinformatics tools for the prediction of the effect of amino acid changes on protein structure and function yielded predictions that this variant is benign. Based on the available information, we are unable to determine the clinical significance of this variant.